The following is an entry in ClinVar:

ClinVar aggregate classification (germline): Pathogenic (1 of 4 stars; one submission).

Conditions:
Primary ciliary dyskinesia. Also called: Ciliary dyskinesia. Identifiers: Orphanet 244, MedGen C0008780, MONDO:0016575, HP:0012265.

Allele frequency attached by ClinVar (database versions not stated): ExAC 0.00001; ESP Exome Variant Server 0.00008.

Submission:

Labcorp Genetics (formerly Invitae), Labcorp
Classification: Pathogenic for Primary ciliary dyskinesia. Last evaluated: 2023-08-10. Review status: criteria provided, single submitter. Criteria: Invitae Variant Classification Sherloc (09022015). Collection method: clinical testing. Allele origin: germline.
Comment: This variant has not been reported in the literature in individuals affected with DNAH8-related conditions. For these reasons, this variant has been classified as Pathogenic. Algorithms developed to predict the effect of sequence changes on RNA splicing suggest that this variant may create or strengthen a splice site. This variant is present in population databases (rs765139051, gnomAD 0.007%). This sequence change creates a premature translational stop signal (p.Gln801Thrfs*17) in the DNAH8 gene. It is expected to result in an absent or disrupted protein product. Loss-of-function variants in DNAH8 are known to be pathogenic (PMID: 24307375, 32619401, 32681648).

Literature cited by the submitters: PubMed 24307375; PubMed 32619401; PubMed 32681648.

NM_001206927.2(DNAH8):c.2400dup (p.Gln801fs)

Gene: DNAH8 (dynein axonemal heavy chain 8; plus strand). Cytogenetic location: 6p21.2.
Variant type: Duplication.
Coding change: c.2400dup on transcript NM_001206927.2 (MANE Select); coding-DNA position 2400, one base duplicated (A; older notation c.2400dupA).
Protein change: p.Gln801fs; shifts the reading frame from glutamine 801.
Molecular consequence: frameshift variant.
Genome position (GRCh38, 1-based): chr6:38,786,769, A duplicated. VCF-style (leftmost placement, unchanged base first): chr6-38786768-T-TA. GRCh37 (hg19) VCF-style: chr6-38754544-T-TA.
Other names: c.1749dup, p.Gln584fs (NM_001371.4); short protein forms Q801fs, Q584fs.
Identifiers: ClinVar variation 2895011 (VCV002895011.3), dbSNP rs765139051, ClinGen allele CA3788513.
Genomic context (GRCh38, chr6:38,786,768, plus strand): 5'-AGCTGGAAGCAGAAAGGAAATTCAGAATGAGTAATGTCAATCATTATTTATTTGTAGCTT[T>TA]ACAAGCCACGCTTTTTGTGCGACATCCAGAAACAGGGAAGTTGCTGGTTAATTTCGATCC-3'